The following is an entry in ClinVar:

NM_001386188.2(CENPI):c.299G>C (p.Trp100Ser)

Gene: CENPI (centromere protein I; plus strand). Cytogenetic location: Xq22.1.
Variant type: single nucleotide variant.
Coding change: c.299G>C on transcript NM_001386188.2 (MANE Select); coding-DNA position 299, G replaced by C.
Protein change: p.Trp100Ser; replaces tryptophan 100 with serine.
Molecular consequence: missense variant.
Genome position (GRCh38, 1-based): chrX:101,102,346, G>C. VCF-style: chrX-101102346-G-C. GRCh37 (hg19) VCF-style: chrX-100357335-G-C.
Other names: c.299G>C, p.Trp100Ser (NM_001318521.2, NM_001318523.1, NM_006733.3); short protein forms W100S.
Identifiers: ClinVar variation 5034337 (VCV005034337.1).
Genomic context (GRCh38, chrX:101,102,346, plus strand): 5'-CTTCACAGAATAAAGATAAAACCTTGGAAAAACACTTGAAAACTGTGGAAAATGTGGCTT[G>C]GAAGAATGGGTTAGCTTCAGAAGAAATTGATATTCTATTAAATATTGCACTCAGTGGCAA-3'
Protein context (NP_001373117.1, residues 90-110): KHLKTVENVA[Trp100Ser]KNGLASEEID

ClinVar aggregate classification (germline): Uncertain significance (1 of 4 stars; one submission).

Submission:

Ambry Genetics
Classification: Uncertain significance. Last evaluated: 2026-07-14. Review status: criteria provided, single submitter. Criteria: Ambry Variant Classification Scheme 2023. Collection method: clinical testing. Allele origin: germline.
Comment: The c.299G>C (p.W100S) alteration is located in exon 3 (coding exon 2) of the CENPI gene. This alteration results from a G to C substitution at nucleotide position 299, causing the tryptophan (W) at amino acid position 100 to be replaced by a serine (S). Based on data from gnomAD, the C allele has an overall frequency of 0.001% (1/177072) total alleles studied. The highest observed frequency was 0.001% (1/80133) of European (non-Finnish) alleles. Based on insufficient or conflicting evidence, the clinical significance of this alteration remains unclear.